The following is an entry in ClinVar:

ClinVar aggregate classification (germline): Uncertain significance (1 of 4 stars; one submission).

Conditions:
Polyhydramnios, megalencephaly, and symptomatic epilepsy (PMSE). Also called: PMSE SYNDROME. Identifiers: Orphanet 500533, MedGen C1970203, MONDO:0012611, OMIM 611087.

Allele frequency attached by ClinVar (database versions not stated): gnomAD exomes below 0.00001.
gnomAD v4.1: 3 of 1,614,224 alleles (0.00019%); no homozygotes.

Submission:

Labcorp Genetics (formerly Invitae), Labcorp
Classification: Uncertain significance for Polyhydramnios, megalencephaly, and symptomatic epilepsy. Last evaluated: 2019-11-20. Review status: criteria provided, single submitter. Criteria: Invitae Variant Classification Sherloc (09022015). Collection method: clinical testing. Allele origin: germline.
Comment: In summary, the available evidence is currently insufficient to determine the role of this variant in disease. Therefore, it has been classified as a Variant of Uncertain Significance. Algorithms developed to predict the effect of missense changes on protein structure and function are either unavailable or do not agree on the potential impact of this missense change (SIFT: "Tolerated"; PolyPhen-2: "Probably Damaging"; Align-GVGD: "Class C0"). This variant has not been reported in the literature in individuals with STRADA-related conditions. This variant is not present in population databases (ExAC no frequency). This sequence change replaces aspartic acid with asparagine at codon 232 of the STRADA protein (p.Asp232Asn). The aspartic acid residue is moderately conserved and there is a small physicochemical difference between aspartic acid and asparagine.

NM_001003787.4(STRADA):c.694G>A (p.Asp232Asn)

Gene: STRADA (STE20 related adaptor alpha; minus strand). Cytogenetic location: 17q23.3.
Variant type: single nucleotide variant.
Coding change: c.694G>A on transcript NM_001003787.4 (MANE Select); coding-DNA position 694, G replaced by A.
Protein change: p.Asp232Asn; replaces aspartic acid 232 with asparagine.
Molecular consequence: missense variant.
Genome position (GRCh38, 1-based): chr17:63,707,306, C>T on the plus strand (G>A on the coding strand, the complement: STRADA is on the minus strand). VCF-style: chr17-63707306-C-T. GRCh37 (hg19) VCF-style: chr17-61784666-C-T.
Other names: c.583G>A, p.Asp195Asn (NM_001003786.3, NM_001363789.1, NM_153335.6); c.520G>A, p.Asp174Asn (NM_001003788.3, NM_001363790.1, NM_001363791.1); c.607G>A, p.Asp203Asn (NM_001165969.2, NM_001363787.1); c.562G>A, p.Asp188Asn (NM_001165970.2); c.670G>A, p.Asp224Asn (NM_001363786.1); c.694G>A, p.Asp232Asn (NM_001363788.1); short protein forms D188N, D195N, D203N, D232N, D174N, D224N.
Identifiers: ClinVar variation 843578 (VCV000843578.9), dbSNP rs1266452858, ClinGen allele CA400591426.